The following is an entry in ClinVar:

ClinVar aggregate classification (germline): Likely benign (1 of 4 stars; one submission).

Submission:

CeGaT Center for Human Genetics Tuebingen
Classification: Likely benign. Last evaluated: 2022-05-01. Review status: criteria provided, single submitter. Criteria: CeGaT Center For Human Genetics Tuebingen Variant Classification Criteria Version 2. Collection method: clinical testing. Allele origin: germline. Affected: yes. Observed: 1 variant allele.
Comment: AHNAK2: PM2:Supporting, BP4, BP7

NM_138420.4(AHNAK2):c.9057G>C (p.Gly3019=)

Gene: AHNAK2 (AHNAK nucleoprotein 2; minus strand). Cytogenetic location: 14q32.33.
Variant type: single nucleotide variant.
Coding change: c.9057G>C on transcript NM_138420.4 (MANE Select); coding-DNA position 9057, G replaced by C.
Protein change: p.Gly3019=; no amino-acid change (glycine 3019 retained).
Molecular consequence: synonymous variant.
Genome position (GRCh38, 1-based): chr14:104,946,394, C>G on the plus strand (G>C on the coding strand, the complement: AHNAK2 is on the minus strand). VCF-style: chr14-104946394-C-G. GRCh37 (hg19) VCF-style: chr14-105412731-C-G.
Other names: c.8757G>C, p.Gly2919= (NM_001350929.2).
Identifiers: ClinVar variation 2644692 (VCV002644692.24), dbSNP rs776106606, ClinGen allele CA488724561.
Genomic context (GRCh38, chr14:104,946,394, plus strand): 5'-AGCCTGGACCTCCAGTTGGGCAGAGGGGGGCTCAATGCTGATGTCAGTGGTCTTCAGGTC[C>G]CCCTGCATGGAGGGGAGGCTCACTTCGGCCTCCACCTTCGGCGCAGACACATCCACCGAG-3'
Protein context (NP_612429.2, residues 3009-3029): EAEVSLPSMQ[Gly3019=]DLKTTDISIE